The following is an entry in ClinVar:

ClinVar aggregate classification (germline): Uncertain significance (1 of 4 stars; one submission).

Allele frequency attached by ClinVar (database versions not stated): gnomAD exomes below 0.00001; gnomAD 0.00001; TOPMed 0.00001.
gnomAD v4.1: 3 of 1,516,156 alleles (0.0002%); highest among the groups gnomAD compares: Non-Finnish European, 0.00026%; no homozygotes.

Submission:

Labcorp Genetics (formerly Invitae), Labcorp
Classification: Uncertain significance. Last evaluated: 2022-03-27. Review status: criteria provided, single submitter. Criteria: Invitae Variant Classification Sherloc (09022015). Collection method: clinical testing. Allele origin: germline.
Comment: In summary, the available evidence is currently insufficient to determine the role of this variant in disease. Therefore, it has been classified as a Variant of Uncertain Significance. Advanced modeling of protein sequence and biophysical properties (such as structural, functional, and spatial information, amino acid conservation, physicochemical variation, residue mobility, and thermodynamic stability) performed at Invitae indicates that this missense variant is expected to disrupt EARS2 protein function. This variant has not been reported in the literature in individuals affected with EARS2-related conditions. This variant is not present in population databases (gnomAD no frequency). This sequence change replaces proline, which is neutral and non-polar, with serine, which is neutral and polar, at codon 43 of the EARS2 protein (p.Pro43Ser).

NM_001083614.2(EARS2):c.127C>T (p.Pro43Ser)

Genes: EARS2 (glutamyl-tRNA synthetase 2, mitochondrial; minus strand), LOC130058664 (ATAC-STARR-seq lymphoblastoid active region 10583; plus strand). Cytogenetic location: 16p12.2.
Variant type: single nucleotide variant.
Coding change: c.127C>T on transcript NM_001083614.2 (MANE Select); coding-DNA position 127, C replaced by T.
Protein change: p.Pro43Ser; replaces proline 43 with serine.
Molecular consequence: missense variant. On other transcripts: non-coding transcript variant (1).
Genome position (GRCh38, 1-based): chr16:23,557,217, G>A on the plus strand (C>T on the coding strand, the complement: EARS2 is on the minus strand). VCF-style: chr16-23557217-G-A. GRCh37 (hg19) VCF-style: chr16-23568538-G-A.
Other names: c.127C>T, p.Pro43Ser (NM_001308211.1); short protein forms P43S.
Identifiers: ClinVar variation 1964850 (VCV001964850.5), dbSNP rs1226228932, ClinGen allele CA395142324.
Genomic context (GRCh38, chr16:23,557,217, plus strand): 5'-GACGGGACAGGGGGCCTCGGCCTGTAGCGTCACGTCCGCCAGGGTTACCTGTGGGGCTGG[G>A]AGCGAACCGCACTCGCACCGCAACCCCGGCATCAGTGCCCAGGTTGGCCTCGCGCCGTCC-3'
Protein context (NP_001077083.1, residues 33-53): AGVAVRVRFA[Pro43Ser]SPTGFLHLGG